The following is an entry in ClinVar:

NM_000059.4(BRCA2):c.1627C>A (p.His543Asn)

Gene: BRCA2 (BRCA2 DNA repair associated; plus strand). Cytogenetic location: 13q13.1.
Variant type: single nucleotide variant.
Coding change: c.1627C>A on transcript NM_000059.4 (MANE Select); coding-DNA position 1627, C replaced by A.
Protein change: p.His543Asn; replaces histidine 543 with asparagine.
Molecular consequence: missense variant.
Genome position (GRCh38, 1-based): chr13:32,333,105, C>A. VCF-style: chr13-32333105-C-A. GRCh37 (hg19) VCF-style: chr13-32907242-C-A.
Other names: 1855C>A; short protein forms H543N.
Identifiers: ClinVar variation 51158 (VCV000051158.71), dbSNP rs80358446, ClinGen allele CA012670.

ClinVar aggregate classification (germline): Conflicting classifications of pathogenicity. Review status: criteria provided, conflicting classifications (1 of 4 stars). 16 submissions from 16 submitters: Uncertain significance (9); Likely benign (4). 3 of the submissions do not count toward it. Last evaluated 2025-12-31.

Conditions:
BRCA2-related cancer predisposition. Identifiers: MedGen CN377758, MONDO:0700269.
Hereditary cancer-predisposing syndrome. Also called: Hereditary Cancer Syndrome; Tumor predisposition; Neoplastic Syndromes, Hereditary; Hereditary neoplastic syndrome. Identifiers: Orphanet 140162, MedGen C0027672, MeSH D009386, MONDO:0015356.
Hereditary breast ovarian cancer syndrome. Also called: Breast and ovarian cancer; BRCA1- and BRCA2-Associated Hereditary Breast and Ovarian Cancer; Hereditary breast and ovarian cancer; Hereditary breast and ovarian cancer syndrome (HBOC); Hereditary breast and ovarian cancer syndrome; Hereditary breast and/or ovarian cancer syndrome. Identifiers: Orphanet 145, MedGen C0677776, MeSH D061325, MONDO:0003582. Disease mechanism: loss of function.
Breast-ovarian cancer, familial, susceptibility to, 2 (BROVCA2). Also called: BRCA2 Hereditary Breast and Ovarian Cancer. Identifiers: Orphanet 145, MedGen C2675520, MONDO:0012933, OMIM 612555. Disease mechanism: loss of function.
Malignant tumor of breast. Also called: Malignant breast neoplasm; Cancer breast. Identifiers: MedGen C0006142, MONDO:0007254. Disease mechanism: loss of function.

Allele frequency attached by ClinVar (database versions not stated): TOPMed below 0.00001.
gnomAD v4.1: 7 of 1,613,860 alleles (0.00043%); highest among the groups gnomAD compares: Middle Eastern, 0.033%; no homozygotes.

Submissions 1 to 10 of 16:

Labcorp Genetics (formerly Invitae), Labcorp
Classification: Uncertain significance for Hereditary breast ovarian cancer syndrome. Last evaluated: 2025-12-31. Review status: criteria provided, single submitter. Criteria: Invitae Variant Classification Sherloc (09022015). Collection method: clinical testing. Allele origin: germline.
Comment: This sequence change replaces histidine, which is basic and polar, with asparagine, which is neutral and polar, at codon 543 of the BRCA2 protein (p.His543Asn). This variant is not present in population databases (gnomAD no frequency). This missense change has been observed in individual(s) with personal and/or family history of breast and/or ovarian cancer (PMID: 25777348, 26997744, 29297111, 30675319, 34242281). ClinVar contains an entry for this variant (Variation ID: 51158). Invitae Evidence Modeling of protein sequence and biophysical properties (such as structural, functional, and spatial information, amino acid conservation, physicochemical variation, residue mobility, and thermodynamic stability) indicates that this missense variant is not expected to disrupt BRCA2 protein function with a negative predictive value of 95%. In summary, the available evidence is currently insufficient to determine the role of this variant in disease. Therefore, it has been classified as a Variant of Uncertain Significance.

Ambry Genetics
Classification: Likely benign for Hereditary cancer-predisposing syndrome. Last evaluated: 2025-07-31. Review status: criteria provided, single submitter. Criteria: Ambry Variant Classification Scheme 2023. Collection method: clinical testing. Allele origin: germline.

Quest Diagnostics Nichols Institute San Juan Capistrano
Classification: Uncertain significance. Last evaluated: 2025-06-25. Review status: criteria provided, single submitter. Criteria: Quest Diagnostics criteria. Collection method: clinical testing. Allele origin: unknown.
Comment: The BRCA2 c.1627C>A (p.His543Asn) variant has been reported in the published literature in individuals with a family and/or personal history of breast and/or ovarian cancer (PMIDs: 25777348 (2015), 26997744 (2016), 29297111 (2018), 35753294 (2022), and 37415649 (2023)). It has also been reported in an individual with prostate cancer (PMID: 34242281 (2021)), and described to be located in a region of the BRCA2 gene that is tolerant to missense sequence changes (PMID: 31911673 (2020)). This variant has not been reported in large, multi-ethnic general populations (Genome Aggregation Database). Analysis of this variant using bioinformatics tools for the prediction of the effect of amino acid changes on protein structure and function yielded predictions that this variant is benign. Based on the available information, we are unable to determine the clinical significance of this variant.

Mayo Clinic Laboratories, Mayo Clinic
Classification: Likely benign. Last evaluated: 2025-06-06. Review status: criteria provided, single submitter. Criteria: ACMG Guidelines, 2015. Collection method: clinical testing. Allele origin: germline. Observed: 1 variant allele.
Comment: BP1_strong

GeneDx
Classification: Uncertain significance. Last evaluated: 2025-02-20. Review status: criteria provided, single submitter. Criteria: GeneDx Variant Classification Process June 2021. Collection method: clinical testing. Allele origin: germline. Affected: yes.
Comment: Observed in individuals with breast, ovarian, or prostate cancer (PMID: 25777348, 26997744, 29297111, 34242281, 37335020); In silico analysis indicates that this missense variant does not alter protein structure/function; Not observed at significant frequency in large population cohorts (gnomAD); Also known as 1855C>A; This variant is associated with the following publications: (PMID: 30675319, 30263132, 26997744, 28814288, 25777348, 29297111, 32377563, 29884841, 35753294, 34242281, 37335020, 37415649)

All of Us Research Program, National Institutes of Health
Classification: Uncertain significance for BRCA2-related cancer predisposition. Last evaluated: 2024-03-24. Review status: criteria provided, single submitter. Criteria: ACMG Guidelines, 2015. Collection method: clinical testing. Allele origin: germline. Inheritance: Autosomal dominant inheritance. Observed: 3 variant alleles, 3 heterozygotes.
Comment: This missense variant replaces histidine with asparagine at codon 543 of the BRCA2 protein. Computational prediction suggests that this variant may not impact protein structure and function. To our knowledge, functional studies have not been reported for this variant. This variant has been reported in individuals affected with breast cancer (PMID: 25777348, 26997744, 37415649), an individual affected with prostate cancer (PMID: 34242281), and two individuals with a personal or family history of breast and/or ovarian cancer (PMID: 30675319, 35753294). This variant has not been identified in the general population by the Genome Aggregation Database (gnomAD). The available evidence is insufficient to determine the role of this variant in disease conclusively. Therefore, this variant is classified as a Variant of Uncertain Significance.

This study involves interpretation of variants in research participants for the purpose of population health screening. Participant phenotype was not available at the time of variant classification. Additional details can be found in publication PMID: 35346344, PMCID: PMC8962531

Color Diagnostics, LLC DBA Color Health
Classification: Uncertain significance for Hereditary cancer-predisposing syndrome. Last evaluated: 2024-03-07. Review status: criteria provided, single submitter. Criteria: ACMG Guidelines, 2015. Collection method: clinical testing. Allele origin: germline.
Comment: This missense variant replaces histidine with asparagine at codon 543 of the BRCA2 protein. Computational prediction suggests that this variant may not impact protein structure and function. To our knowledge, functional studies have not been reported for this variant. This variant has been reported in individuals affected with breast cancer (PMID: 25777348, 26997744, 37415649), an individual affected with prostate cancer (PMID: 34242281), and two individuals with a personal or family history of breast and/or ovarian cancer (PMID: 30675319, 35753294). This variant has not been identified in the general population by the Genome Aggregation Database (gnomAD). The available evidence is insufficient to determine the role of this variant in disease conclusively. Therefore, this variant is classified as a Variant of Uncertain Significance.

Myriad Genetics, Inc.
Classification: Likely benign for Breast-ovarian cancer, familial, susceptibility to, 2. Last evaluated: 2023-11-06. Review status: criteria provided, single submitter. Criteria: Myriad Autosomal Dominant, Autosomal Recessive and X-Linked Classification Criteria (2023). Collection method: clinical testing. Allele origin: unknown.
Comment: This variant is considered likely benign. This variant is strongly associated with less severe personal and family histories of cancer, typical for individuals without pathogenic variants in this gene [PMID: 25085752].

KCCC/NGS Laboratory, Kuwait Cancer Control Center
Classification: Uncertain significance for Breast-ovarian cancer, familial, susceptibility to, 2. Last evaluated: 2023-06-06. Review status: criteria provided, single submitter. Criteria: ACMG Guidelines, 2015. Collection method: clinical testing. Allele origin: germline. Affected: yes.
Comment: The p.H543N variant (also known as c.1627C>A), located in coding exon 9 of the BRCA2 gene, results from a C to A substitution at nucleotide position 1627. The histidine at codon 543 is replaced by asparagine, an amino acid with similar properties. This amino acid position is poorly conserved in available vertebrate species. In addition, this alteration is predicted to be benign by computational verdict based on 10 benign predictions from BayesDel_addAF, DANN, EIGEN, FATHMM-MKL, M-CAP, MVP, MutationTaster, PrimateAI, REVEL and SIFT vs no pathogenic predictions. There is a ClinVar entry for this variant (ClinVar ID 51158) with 6 submissions: 5 as uncertain significance, and 1 as benign. Therefore, this variant is classified as of uncertain significance.

University of Washington Department of Laboratory Medicine, University of Washington
Classification: Likely benign for Hereditary cancer-predisposing syndrome. Last evaluated: 2023-03-23. Review status: criteria provided, single submitter. Criteria: Dines et al. (Genet Med. 2020). Collection method: curation. Allele origin: germline.
Comment: Missense variant in a coldspot region where missense variants are very unlikely to be pathogenic (PMID:31911673).

BRCA2 exon 10 coldspot. Reclassification based on statistical prior probability.